The following is an entry in ClinVar:

NM_006371.5(CRTAP):c.*982A>G

Gene: CRTAP (cartilage associated protein; plus strand). Cytogenetic location: 3p22.3.
Variant type: single nucleotide variant.
Coding change: c.*982A>G on transcript NM_006371.5 (MANE Select); 982 bases downstream of the stop codon, A replaced by G.
Molecular consequence: 3 prime UTR variant.
Genome position (GRCh38, 1-based): chr3:33,143,430, A>G. VCF-style: chr3-33143430-A-G. GRCh37 (hg19) VCF-style: chr3-33184922-A-G.
Identifiers: ClinVar variation 903441 (VCV000903441.4), dbSNP rs78409158, ClinGen allele CA72673789.

ClinVar aggregate classification (germline): Benign (1 of 4 stars; one submission).

Conditions:
Osteogenesis imperfecta type 7 (OI7). Also called: OSTEOGENESIS IMPERFECTA, TYPE IIB; Osteogenesis imperfecta type 2B; OI type 2B; Osteogenesis imperfecta, perinatal lethal autosomal recessive; OI type IIB; OI type 7. Identifiers: MedGen C1853162, MONDO:0012536, OMIM 610682.

Allele frequency attached by ClinVar (database versions not stated): TOPMed 0.00282; gnomAD 0.00708 and 0.00749; 1000 Genomes Project 0.01118; 1000 Genomes Project 30x 0.01124.

Submission:

Illumina Laboratory Services, Illumina
Classification: Benign for Osteogenesis imperfecta type 7. Last evaluated: 2018-01-12. Review status: criteria provided, single submitter. Criteria: ICSL Variant Classification Criteria 13 December 2019. Collection method: clinical testing. Allele origin: germline.
Comment: This variant was observed in the ICSL laboratory as part of a predisposition screen in an ostensibly healthy population. It had not been previously curated by ICSL or reported in the Human Gene Mutation Database (HGMD: prior to June 1st, 2018), and was therefore a candidate for classification through an automated scoring system. Utilizing variant allele frequency, disease prevalence and penetrance estimates, and inheritance mode, an automated score was calculated to assess if this variant is too frequent to cause the disease. Based on the score and internal cut-off values, a variant classified as benign is not then subjected to further curation. The score for this variant resulted in a classification of benign for this disease.